The following is an entry in ClinVar:

ClinVar aggregate classification (germline): Uncertain significance. Review status: criteria provided, multiple submitters, no conflicts (2 of 4 stars). 2 submissions from 2 submitters: Uncertain significance (2). Last evaluated 2026-07-02.

Conditions:
Hereditary cancer-predisposing syndrome. Also called: Neoplastic Syndromes, Hereditary; Hereditary Cancer Syndrome; Tumor predisposition; Hereditary neoplastic syndrome. Identifiers: Orphanet 140162, MedGen C0027672, MeSH D009386, MONDO:0015356.
Tuberous sclerosis 1 (TSC1). Identifiers: Orphanet 805, MedGen C1854465, MONDO:0008612, OMIM 191100.

Allele frequency attached by ClinVar (database versions not stated): gnomAD exomes below 0.00001.
gnomAD v4.1: 2 of 1,614,210 alleles (0.00012%); highest among the groups gnomAD compares: Non-Finnish European, 0.00017%; no homozygotes.

Submissions (2):

Ambry Genetics
Classification: Uncertain significance for Hereditary cancer-predisposing syndrome. Last evaluated: 2026-07-02. Review status: criteria provided, single submitter. Criteria: Ambry Variant Classification Scheme 2023. Collection method: clinical testing. Allele origin: germline.
Comment: The p.E1094Q variant (also known as c.3280G>C), located in coding exon 21 of the TSC1 gene, results from a G to C substitution at nucleotide position 3280. The glutamic acid at codon 1094 is replaced by glutamine, an amino acid with highly similar properties. This amino acid position is conserved. In addition, the in silico prediction for this alteration is inconclusive. Based on the available evidence, the clinical significance of this variant remains unclear.

Labcorp Genetics (formerly Invitae), Labcorp
Classification: Uncertain significance for Tuberous sclerosis 1. Last evaluated: 2024-05-01. Review status: criteria provided, single submitter. Criteria: Invitae Variant Classification Sherloc (09022015). Collection method: clinical testing. Allele origin: germline.
Comment: This sequence change replaces glutamic acid, which is acidic and polar, with glutamine, which is neutral and polar, at codon 1094 of the TSC1 protein (p.Glu1094Gln). This variant is not present in population databases (gnomAD no frequency). This variant has not been reported in the literature in individuals affected with TSC1-related conditions. ClinVar contains an entry for this variant (Variation ID: 937007). Advanced modeling of protein sequence and biophysical properties (such as structural, functional, and spatial information, amino acid conservation, physicochemical variation, residue mobility, and thermodynamic stability) performed at Invitae indicates that this missense variant is not expected to disrupt TSC1 protein function with a negative predictive value of 95%. In summary, the available evidence is currently insufficient to determine the role of this variant in disease. Therefore, it has been classified as a Variant of Uncertain Significance.

NM_000368.5(TSC1):c.3280G>C (p.Glu1094Gln)

Gene: TSC1 (TSC complex subunit 1; minus strand). Cytogenetic location: 9q34.13.
Variant type: single nucleotide variant.
Coding change: c.3280G>C on transcript NM_000368.5 (MANE Select); coding-DNA position 3280, G replaced by C.
Protein change: p.Glu1094Gln; replaces glutamic acid 1094 with glutamine.
Molecular consequence: missense variant.
Genome position (GRCh38, 1-based): chr9:132,896,450, C>G on the plus strand (G>C on the coding strand, the complement: TSC1 is on the minus strand). VCF-style: chr9-132896450-C-G. GRCh37 (hg19) VCF-style: chr9-135771837-C-G.
Other names: c.3277G>C, p.Glu1093Gln (NM_001162426.2); c.3127G>C, p.Glu1043Gln (NM_001162427.2); c.2917G>C, p.Glu973Gln (NM_001362177.2); short protein forms E1093Q, E973Q, E1043Q, E1094Q.
Identifiers: ClinVar variation 937007 (VCV000937007.10), dbSNP rs1845049905, ClinGen allele CA375366747.